The following is an entry in ClinVar:

ClinVar aggregate classification (germline): Uncertain significance (1 of 4 stars; one submission).

Submission:

GeneDx
Classification: Uncertain significance. Last evaluated: 2017-06-22. Review status: criteria provided, single submitter. Criteria: GeneDx Variant Classification (06012015). Collection method: clinical testing. Allele origin: germline. Affected: yes.
Comment: The E1064D variant in the CREBBP gene has not been reported previously as a pathogenic variant, nor as a benign variant, to our knowledge. This variant is not observed in large population cohorts (Lek et al., 2016; 1000 Genomes Consortium et al., 2015; Exome Variant Server). However, the E1064D variant is a conservative amino acid substitution, which is not likely to impact secondary protein structure as these residues share similar properties, and occurs at a position where amino acids with similar properties to Glutamic Acid are tolerated across species. In silico analysis is inconsistent in its predictions as to whether or not the variant is damaging to the protein structure/function. We now interpret E1064D as a variant of uncertain significance.

NM_004380.3(CREBBP):c.3192G>C (p.Glu1064Asp)

Gene: CREBBP (CREB binding protein; minus strand). Cytogenetic location: 16p13.3.
Variant type: single nucleotide variant.
Coding change: c.3192G>C on transcript NM_004380.3 (MANE Select); coding-DNA position 3192, G replaced by C.
Protein change: p.Glu1064Asp; replaces glutamic acid 1064 with aspartic acid.
Molecular consequence: missense variant.
Genome position (GRCh38, 1-based): chr16:3,767,778, C>G on the plus strand (G>C on the coding strand, the complement: CREBBP is on the minus strand). VCF-style: chr16-3767778-C-G. GRCh37 (hg19) VCF-style: chr16-3817779-C-G.
Other names: c.3078G>C, p.Glu1026Asp (NM_001079846.1); short protein forms E1064D, E1026D.
Identifiers: ClinVar variation 420959 (VCV000420959.2), dbSNP rs1064794818, ClinGen allele CA16620206.